The following is an entry in ClinVar:

ClinVar aggregate classification (germline): Benign. Review status: criteria provided, multiple submitters, no conflicts (2 of 4 stars). 5 submissions from 5 submitters: Benign (4). 1 of the submissions does not count toward it. Last evaluated 2026-02-03.

Conditions:
SPEG-related disorder. Also called: SPEG-related condition.

Allele frequency attached by ClinVar (database versions not stated): gnomAD exomes 0.00177 and 0.00440; ExAC 0.00551; gnomAD 0.01801 and 0.01923; ESP Exome Variant Server 0.01901; 1000 Genomes Project 0.02077; TOPMed 0.02109; 1000 Genomes Project 30x 0.02186.
gnomAD v4.1: 5,500 of 1,614,066 alleles (0.34%); highest among the groups gnomAD compares: African/African-American, 6.4%; 172 homozygotes.

Submissions (5):

Labcorp Genetics (formerly Invitae), Labcorp
Classification: Benign. Last evaluated: 2026-02-03. Review status: criteria provided, single submitter. Criteria: Invitae Variant Classification Sherloc (09022015). Collection method: clinical testing. Allele origin: germline.

GeneDx
Classification: Benign. Last evaluated: 2019-09-20. Review status: criteria provided, single submitter. Criteria: GeneDx Variant Classification Process June 2021. Collection method: clinical testing. Allele origin: germline. Affected: yes.

Mayo Clinic Laboratories, Mayo Clinic
Classification: Benign. Last evaluated: 2019-03-06. Review status: criteria provided, single submitter. Criteria: ACMG Guidelines, 2015. Collection method: clinical testing. Allele origin: germline. Observed: 6 variant alleles.

Breakthrough Genomics
Classification: Benign. Review status: criteria provided, single submitter. Criteria: ACMG Guidelines, 2015. Collection method: not provided. Allele origin: germline. Inheritance: Autosomal recessive inheritance. Affected: yes.

PreventionGenetics, part of Exact Sciences
Classification: Benign for SPEG-related condition. Last evaluated: 2019-09-17. Review status: no assertion criteria provided. Collection method: clinical testing. Allele origin: germline. Not counted in ClinVar's aggregate classification.
Comment: This variant is classified as benign based on ACMG/AMP sequence variant interpretation guidelines (Richards et al. 2015 PMID: 25741868, with internal and published modifications).

NM_005876.5(SPEG):c.8651C>T (p.Pro2884Leu)

Genes: ASIC4-AS1 (ASIC4 antisense RNA 1; minus strand), SPEG (striated muscle enriched protein kinase; plus strand). Cytogenetic location: 2q35.
Variant type: single nucleotide variant.
Coding change: c.8651C>T on transcript NM_005876.5 (MANE Select); coding-DNA position 8651, C replaced by T.
Protein change: p.Pro2884Leu; replaces proline 2884 with leucine.
Molecular consequence: missense variant.
Genome position (GRCh38, 1-based): chr2:219,489,669, C>T. VCF-style: chr2-219489669-C-T. GRCh37 (hg19) VCF-style: chr2-220354391-C-T.
Other names: p.Pro2884Leu; short protein forms P2884L.
Identifiers: ClinVar variation 783993 (VCV000783993.15), dbSNP rs114233681, ClinGen allele CA2127543.